The following is an entry in ClinVar:

NM_001303052.2(MYT1L):c.3393C>A (p.Ser1131Arg)

Gene: MYT1L (myelin transcription factor 1 like; minus strand). Cytogenetic location: 2p25.3.
Variant type: single nucleotide variant.
Coding change: c.3393C>A on transcript NM_001303052.2 (MANE Select); coding-DNA position 3393, C replaced by A.
Protein change: p.Ser1131Arg; replaces serine 1131 with arginine.
Molecular consequence: missense variant.
Genome position (GRCh38, 1-based): chr2:1,792,348, G>T on the plus strand (C>A on the coding strand, the complement: MYT1L is on the minus strand). VCF-style: chr2-1792348-G-T. GRCh37 (hg19) VCF-style: chr2-1796120-G-T.
Other names: c.3393C>A, p.Ser1131Arg (NM_001329844.2, NM_001329845.1, NM_001329849.3 and 2 more transcripts); c.3387C>A, p.Ser1129Arg (NM_001329846.3, NM_001329847.2, NM_001329848.1 and 1 more transcripts); short protein forms S1129R, S1131R.
Identifiers: ClinVar variation 1343898 (VCV001343898.2), dbSNP rs1298337593, ClinGen allele CA345732765.
Genomic context (GRCh38, chr2:1,792,348, plus strand): 5'-CCACATTCCTGCCTTGCGTGCTCAGTCACTTACCATGTGCGGCAGCTGGATGTTAGCCAG[G>T]CTGTGGATCAGAGACTGGCTCAGGTTCGCCAGCTCGTGGAGGAGAGACTCGTTCTGCTGC-3'
Protein context (NP_001289981.1, residues 1121-1141): LANLSQSLIH[Ser1131Arg]LANIQLPHMD

ClinVar aggregate classification (germline): Uncertain significance (1 of 4 stars; one submission).

Allele frequency attached by ClinVar (database versions not stated): gnomAD exomes below 0.00001.

Submission:

GeneDx
Classification: Uncertain significance. Last evaluated: 2021-09-14. Review status: criteria provided, single submitter. Criteria: GeneDx Variant Classification Process June 2021. Collection method: clinical testing. Allele origin: germline. Affected: yes.
Comment: Has not been previously published as pathogenic or benign to our knowledge; In silico analysis supports that this missense variant has a deleterious effect on protein structure/function